The following is an entry in ClinVar:

ClinVar aggregate classification (germline): Pathogenic (1 of 4 stars; one submission).

Submission:

GeneDx
Classification: Pathogenic. Last evaluated: 2018-12-26. Review status: criteria provided, single submitter. Criteria: GeneDx Variant Classification (06012015). Collection method: clinical testing. Allele origin: germline. Affected: yes.
Comment: The E261X variant in the KCNQ1 gene has been reported as pathogenic in one individual referred for LQTS testing (Kapplinger et al., 2009); however, clinical and segregation data are not provided. The E261X variant is predicted to cause loss of normal protein function either by protein truncation or nonsense-mediated mRNA decay. Other nonsense variants in the KCNQ1 gene have been reported in Human Gene Mutation Database in association with LQTS (Stenson et al., 2014). Furthermore, the E261X variant is not observed in large population cohorts (Lek et al., 2016).

NM_000218.3(KCNQ1):c.781G>T (p.Glu261Ter)

Gene: KCNQ1 (potassium voltage-gated channel subfamily Q member 1; plus strand). Cytogenetic location: 11p15.5.
Variant type: single nucleotide variant.
Coding change: c.781G>T on transcript NM_000218.3 (MANE Select); coding-DNA position 781, G replaced by T.
Protein change: p.Glu261Ter; replaces glutamic acid 261 with a stop codon.
Molecular consequence: nonsense.
Genome position (GRCh38, 1-based): chr11:2,572,846, G>T. VCF-style: chr11-2572846-G-T. GRCh37 (hg19) VCF-style: chr11-2594076-G-T.
Other names: c.781G>T, p.Glu261Ter (NM_001406836.1); c.511G>T, p.Glu171Ter (NM_001406837.1); c.400G>T, p.Glu134Ter (NM_181798.2); short protein forms E134*, E261*, E171*.
Identifiers: ClinVar variation 620103 (VCV000620103.3), dbSNP rs199472722, ClinGen allele CA379131241.